The following is an entry in ClinVar:

ClinVar aggregate classification (germline): Uncertain significance (1 of 4 stars; one submission).

gnomAD v4.1: 1 of 1,614,098 alleles (0.000062%); highest among the groups gnomAD compares: Non-Finnish European, 0.000085%; no homozygotes.

Submission:

Labcorp Genetics (formerly Invitae), Labcorp
Classification: Uncertain significance. Last evaluated: 2021-02-12. Review status: criteria provided, single submitter. Criteria: Invitae Variant Classification Sherloc (09022015). Collection method: clinical testing. Allele origin: germline.
Comment: In summary, the available evidence is currently insufficient to determine the role of this variant in disease. Therefore, it has been classified as a Variant of Uncertain Significance. Algorithms developed to predict the effect of missense changes on protein structure and function (SIFT, PolyPhen-2, Align-GVGD) all suggest that this variant is likely to be tolerated, but these predictions have not been confirmed by published functional studies and their clinical significance is uncertain. This variant has not been reported in the literature in individuals with IKBKAP-related disease. This variant is present in population databases (rs766255360, ExAC 0.001%). This sequence change replaces arginine with glycine at codon 379 of the IKBKAP protein (p.Arg379Gly). The arginine residue is moderately conserved and there is a moderate physicochemical difference between arginine and glycine.

NM_003640.5(ELP1):c.1135C>G (p.Arg379Gly)

Gene: ELP1 (elongator acetyltransferase complex subunit 1; minus strand). Cytogenetic location: 9q31.3.
Variant type: single nucleotide variant.
Coding change: c.1135C>G on transcript NM_003640.5 (MANE Select); coding-DNA position 1135, C replaced by G.
Protein change: p.Arg379Gly; replaces arginine 379 with glycine.
Molecular consequence: missense variant.
Genome position (GRCh38, 1-based): chr9:108,912,318, G>C on the plus strand (C>G on the coding strand, the complement: ELP1 is on the minus strand). VCF-style: chr9-108912318-G-C. GRCh37 (hg19) VCF-style: chr9-111674598-G-C.
Other names: c.1135C>G (LRG_251t1); c.793C>G, p.Arg265Gly (NM_001318360.2); c.88C>G, p.Arg30Gly (NM_001330749.2); short protein forms R379G, R30G, R265G.
Identifiers: ClinVar variation 579892 (VCV000579892.9), dbSNP rs766255360, ClinGen allele CA5175113.